The following is an entry in ClinVar:

ClinVar aggregate classification (germline): Uncertain significance. Review status: criteria provided, multiple submitters, no conflicts (2 of 4 stars). 2 submissions from 2 submitters: Uncertain significance (2). Last evaluated 2025-09-20.

Conditions:
Hereditary cancer-predisposing syndrome. Also called: Neoplastic Syndromes, Hereditary; Tumor predisposition; Hereditary Cancer Syndrome; Hereditary neoplastic syndrome. Identifiers: Orphanet 140162, MedGen C0027672, MeSH D009386, MONDO:0015356.

Allele frequency attached by ClinVar (database versions not stated): gnomAD exomes below 0.00001.
gnomAD v4.1: 2 of 1,611,342 alleles (0.00012%); highest among the groups gnomAD compares: Non-Finnish European, 0.000085%; no homozygotes.

Submissions (2):

Labcorp Genetics (formerly Invitae), Labcorp
Classification: Uncertain significance. Last evaluated: 2025-09-20. Review status: criteria provided, single submitter. Criteria: Invitae Variant Classification Sherloc (09022015). Collection method: clinical testing. Allele origin: germline.
Comment: This sequence change replaces alanine, which is neutral and non-polar, with glycine, which is neutral and non-polar, at codon 189 of the POLE protein (p.Ala189Gly). This variant is not present in population databases (gnomAD no frequency). This variant has not been reported in the literature in individuals affected with POLE-related conditions. ClinVar contains an entry for this variant (Variation ID: 654198). Invitae Evidence Modeling of protein sequence and biophysical properties (such as structural, functional, and spatial information, amino acid conservation, physicochemical variation, residue mobility, and thermodynamic stability) indicates that this missense variant is not expected to disrupt POLE protein function with a negative predictive value of 80%. RNA analysis performed to evaluate the impact of this missense change on mRNA splicing indicates it does not significantly alter splicing (internal data). In summary, the available evidence is currently insufficient to determine the role of this variant in disease. Therefore, it has been classified as a Variant of Uncertain Significance.

Ambry Genetics
Classification: Uncertain significance for Hereditary cancer-predisposing syndrome. Last evaluated: 2025-03-20. Review status: criteria provided, single submitter. Criteria: Ambry Variant Classification Scheme 2023. Collection method: clinical testing. Allele origin: germline.
Comment: The p.A189G variant (also known as c.566C>G), located in coding exon 6 of the POLE gene, results from a C to G substitution at nucleotide position 566. The alanine at codon 189 is replaced by glycine, an amino acid with similar properties. This amino acid position is not well conserved in available vertebrate species. In addition, this alteration is predicted to be tolerated by in silico analysis. Based on the available evidence, the clinical significance of this variant remains unclear.

NM_006231.4(POLE):c.566C>G (p.Ala189Gly)

Gene: POLE (DNA polymerase epsilon, catalytic subunit; minus strand). Cytogenetic location: 12q24.33.
Variant type: single nucleotide variant.
Coding change: c.566C>G on transcript NM_006231.4 (MANE Select); coding-DNA position 566, C replaced by G.
Protein change: p.Ala189Gly; replaces alanine 189 with glycine.
Molecular consequence: missense variant.
Genome position (GRCh38, 1-based): chr12:132,679,509, G>C on the plus strand (C>G on the coding strand, the complement: POLE is on the minus strand). VCF-style: chr12-132679509-G-C. GRCh37 (hg19) VCF-style: chr12-133256095-G-C.
Other names: c.566C>G (NM_006231.2); short protein forms A189G.
Identifiers: ClinVar variation 654198 (VCV000654198.11), dbSNP rs1593084934, ClinGen allele CA387366660.